The following is an entry in ClinVar:

ClinVar aggregate classification (germline): Uncertain significance (1 of 4 stars; one submission).

Conditions:
Severe combined immunodeficiency due to DNA-PKcs deficiency. Also called: IMMUNODEFICIENCY 26 WITH NEUROLOGIC ABNORMALITIES; Immunodeficiency 26 with or without neurologic abnormalities. Identifiers: Orphanet 317425, MedGen C4014833, MONDO:0014423, OMIM 615966.

Allele frequency attached by ClinVar (database versions not stated): gnomAD 0.00002; TOPMed 0.00002; ExAC 0.00005; ESP Exome Variant Server 0.00008.
gnomAD v4.1: 62 of 1,599,874 alleles (0.0039%); highest among the groups gnomAD compares: Non-Finnish European, 0.0051%; no homozygotes.

Submission:

Labcorp Genetics (formerly Invitae), Labcorp
Classification: Uncertain significance for Severe combined immunodeficiency due to DNA-PKcs deficiency. Last evaluated: 2025-04-21. Review status: criteria provided, single submitter. Criteria: Invitae Variant Classification Sherloc (09022015). Collection method: clinical testing. Allele origin: germline.
Comment: This sequence change replaces phenylalanine, which is neutral and non-polar, with leucine, which is neutral and non-polar, at codon 2644 of the PRKDC protein (p.Phe2644Leu). This variant is present in population databases (rs368704791, gnomAD 0.006%). This variant has not been reported in the literature in individuals affected with PRKDC-related conditions. ClinVar contains an entry for this variant (Variation ID: 1470122). Invitae Evidence Modeling of protein sequence and biophysical properties (such as structural, functional, and spatial information, amino acid conservation, physicochemical variation, residue mobility, and thermodynamic stability) indicates that this missense variant is expected to disrupt PRKDC protein function with a positive predictive value of 80%. In summary, the available evidence is currently insufficient to determine the role of this variant in disease. Therefore, it has been classified as a Variant of Uncertain Significance.

NM_006904.7(PRKDC):c.7930T>C (p.Phe2644Leu)

Gene: PRKDC (protein kinase, DNA-activated, catalytic subunit; minus strand). Cytogenetic location: 8q11.21.
Variant type: single nucleotide variant.
Coding change: c.7930T>C on transcript NM_006904.7 (MANE Select); coding-DNA position 7930, T replaced by C.
Protein change: p.Phe2644Leu; replaces phenylalanine 2644 with leucine.
Molecular consequence: missense variant.
Genome position (GRCh38, 1-based): chr8:47,836,359, A>G on the plus strand (T>C on the coding strand, the complement: PRKDC is on the minus strand). VCF-style: chr8-47836359-A-G. GRCh37 (hg19) VCF-style: chr8-48748920-A-G.
Other names: c.7930T>C, p.Phe2644Leu (NM_001081640.2); short protein forms F2644L.
Identifiers: ClinVar variation 1470122 (VCV001470122.6), dbSNP rs368704791, ClinGen allele CA4739987.